The following is an entry in ClinVar:

NM_001009925.2(TMEM230):c.262C>G (p.Leu88Val)

Gene: TMEM230 (transmembrane protein 230; minus strand). Cytogenetic location: 20p12.3.
Variant type: single nucleotide variant.
Coding change: c.262C>G on transcript NM_001009925.2 (MANE Select); coding-DNA position 262, C replaced by G.
Protein change: p.Leu88Val; replaces leucine 88 with valine.
Molecular consequence: missense variant. On other transcripts: intron variant (1).
Genome position (GRCh38, 1-based): chr20:5,100,892, G>C on the plus strand (C>G on the coding strand, the complement: TMEM230 is on the minus strand). VCF-style: chr20-5100892-G-C. GRCh37 (hg19) VCF-style: chr20-5081538-G-C.
Other names: c.262C>G, p.Leu88Val (NM_001009924.2, NM_001330984.2, NM_001330985.2 and 3 more transcripts); c.222+5296C>G (NM_001330987.2); short protein forms L88V.
Identifiers: ClinVar variation 2032928 (VCV002032928.4), dbSNP rs1555773521, ClinGen allele CA408154667.

ClinVar aggregate classification (germline): Uncertain significance (1 of 4 stars; one submission).

Submission:

Labcorp Genetics (formerly Invitae), Labcorp
Classification: Uncertain significance. Last evaluated: 2022-09-27. Review status: criteria provided, single submitter. Criteria: Invitae Variant Classification Sherloc (09022015). Collection method: clinical testing. Allele origin: germline.
Comment: In summary, the available evidence is currently insufficient to determine the role of this variant in disease. Therefore, it has been classified as a Variant of Uncertain Significance. Algorithms developed to predict the effect of missense changes on protein structure and function (SIFT, PolyPhen-2, Align-GVGD) all suggest that this variant is likely to be disruptive. This variant has not been reported in the literature in individuals affected with TMEM230-related conditions. This variant is not present in population databases (gnomAD no frequency). This sequence change replaces leucine, which is neutral and non-polar, with valine, which is neutral and non-polar, at codon 151 of the TMEM230 protein (p.Leu151Val).